The following is an entry in ClinVar:

ClinVar aggregate classification (germline): Pathogenic. Review status: criteria provided, multiple submitters, no conflicts (2 of 4 stars). 4 submissions from 4 submitters: Pathogenic (4). Last evaluated 2025-02-16.

Conditions:
Juvenile myelomonocytic leukemia (JMML). Also called: LEUKEMIA, JUVENILE MYELOMONOCYTIC, SOMATIC. Identifiers: Orphanet 86834, MedGen C0349639, MONDO:0011908, OMIM 607785, HP:0012209.
Neurofibromatosis, type 1 (NF1). Also called: Neurofibromatosis, type I; VON RECKLINGHAUSEN DISEASE; Peripheral type neurofibromatosis; NEUROFIBROMATOSIS, TYPE I, SOMATIC. Identifiers: Orphanet 636, MedGen C0027831, MONDO:0018975, OMIM 162200. Disease mechanism: loss of function.

Submissions (4):

Laboratory of Genetics, Children's Clinical University Hospital Latvia
Classification: Pathogenic. Last evaluated: 2025-02-16. Review status: criteria provided, single submitter. Criteria: ACMG Guidelines, 2015. Collection method: clinical testing. Allele origin: germline. Affected: yes.

Labcorp Genetics (formerly Invitae), Labcorp
Classification: Pathogenic for Neurofibromatosis, type 1. Last evaluated: 2023-10-14. Review status: criteria provided, single submitter. Criteria: Invitae Variant Classification Sherloc (09022015). Collection method: clinical testing. Allele origin: germline.
Comment: This sequence change creates a premature translational stop signal (p.Glu230*) in the NF1 gene. It is expected to result in an absent or disrupted protein product. Loss-of-function variants in NF1 are known to be pathogenic (PMID: 10712197, 23913538). This variant is not present in population databases (gnomAD no frequency). This premature translational stop signal has been observed in individuals with clinical features of NF1-Noonan syndrome and/or neurofibromatosis, type 1 (NF1) (PMID: 11735023; Invitae). ClinVar contains an entry for this variant (Variation ID: 851567). Algorithms developed to predict the effect of sequence changes on RNA splicing suggest that this variant may disrupt the consensus splice site. For these reasons, this variant has been classified as Pathogenic.

Dubai Health Genomic Medicine Center, Dubai Health
Classification: Pathogenic. Last evaluated: 2022-12-17. Review status: criteria provided, single submitter. Criteria: ACMG Guidelines, 2015. Collection method: clinical testing. Allele origin: germline. Affected: yes.

Baylor Genetics
Classification: Pathogenic for Juvenile myelomonocytic leukemia. Last evaluated: 2022-07-20. Review status: criteria provided, single submitter. Criteria: ACMG Guidelines, 2015. Collection method: clinical testing. Allele origin: unknown.

Literature cited by the submitters: PubMed 10712197 (cited by Labcorp Genetics (formerly Invitae), Labcorp); PubMed 23913538 (cited by Labcorp Genetics (formerly Invitae), Labcorp); PubMed 11735023 (cited by Labcorp Genetics (formerly Invitae), Labcorp).

NM_001042492.3(NF1):c.688G>T (p.Glu230Ter)

Gene: NF1 (neurofibromin 1; plus strand). Cytogenetic location: 17q11.2.
Variant type: single nucleotide variant.
Coding change: c.688G>T on transcript NM_001042492.3 (MANE Select); coding-DNA position 688, G replaced by T.
Protein change: p.Glu230Ter; replaces glutamic acid 230 with a stop codon.
Molecular consequence: nonsense.
Genome position (GRCh38, 1-based): chr17:31,181,743, G>T. VCF-style: chr17-31181743-G-T. GRCh37 (hg19) VCF-style: chr17-29508761-G-T.
Other names: c.688G>T, p.Glu230Ter (NM_000267.4, NM_001128147.3); short protein forms E230*.
Identifiers: ClinVar variation 851567 (VCV000851567.9), dbSNP rs2066138676, ClinGen allele CA398989943.